The following is an entry in ClinVar:

NM_001453.3(FOXC1):c.-437C>G

Genes: FOXC1 (forkhead box C1; plus strand), LOC129995600 (ATAC-STARR-seq lymphoblastoid silent region 16824; plus strand). Cytogenetic location: 6p25.3.
Variant type: single nucleotide variant.
Coding change: c.-437C>G on transcript NM_001453.3 (MANE Select); 437 bases upstream of the start codon, C replaced by G.
Molecular consequence: 5 prime UTR variant.
Genome position (GRCh38, 1-based): chr6:1,610,009, C>G. VCF-style: chr6-1610009-C-G. GRCh37 (hg19) VCF-style: chr6-1610244-C-G.
Identifiers: ClinVar variation 3029215 (VCV003029215.2), dbSNP rs1581373051, ClinGen allele CA1085282086.
Genomic context (GRCh38, chr6:1,610,009, plus strand): 5'-TAAGCGGCTGGCGCGCGAGAGACCGAGAAAAGGTGACGCGGGGCCCGGGCAGGCGGCCGG[C>G]GCGCGGCCCCCCCCCCCCCCGCCCTGGTTATTTGGCCGCCTTCGCCGGCAGCTCAGGGCA-3'

ClinVar aggregate classification (germline): Likely benign (0 of 4 stars; one submission).

Conditions:
FOXC1-related disorder. Also called: FOXC1-related condition.

Submission:

PreventionGenetics, part of Exact Sciences
Classification: Likely benign for FOXC1-related condition. Last evaluated: 2021-09-17. Review status: no assertion criteria provided. Collection method: clinical testing. Allele origin: germline.
Comment: This variant is classified as likely benign based on ACMG/AMP sequence variant interpretation guidelines (Richards et al. 2015 PMID: 25741868, with internal and published modifications).